The following is an entry in ClinVar:

ClinVar aggregate classification (germline): Conflicting classifications of pathogenicity. Review status: criteria provided, conflicting classifications (1 of 4 stars). 2 submissions from 2 submitters: Uncertain significance (1); Likely benign (1). Last evaluated 2025-02-20.

Conditions:
Inborn genetic diseases. Identifiers: MedGen C0950123, MeSH D030342.

Allele frequency attached by ClinVar (database versions not stated): TOPMed below 0.00001; ExAC 0.00001; gnomAD exomes 0.00001.
gnomAD v4.1: 4 of 1,614,174 alleles (0.00025%); highest among the groups gnomAD compares: Admixed American, 0.0067%; no homozygotes.

Submissions (2):

Ambry Genetics
Classification: Likely benign for Inborn genetic diseases. Last evaluated: 2025-02-20. Review status: criteria provided, single submitter. Criteria: Ambry Variant Classification Scheme 2023. Collection method: clinical testing. Allele origin: germline.

Labcorp Genetics (formerly Invitae), Labcorp
Classification: Uncertain significance. Last evaluated: 2024-03-01. Review status: criteria provided, single submitter. Criteria: Invitae Variant Classification Sherloc (09022015). Collection method: clinical testing. Allele origin: germline.
Comment: This sequence change replaces lysine, which is basic and polar, with asparagine, which is neutral and polar, at codon 2302 of the KMT2A protein (p.Lys2302Asn). This variant is present in population databases (rs782151492, gnomAD 0.006%). This variant has not been reported in the literature in individuals affected with KMT2A-related conditions. Advanced modeling of protein sequence and biophysical properties (such as structural, functional, and spatial information, amino acid conservation, physicochemical variation, residue mobility, and thermodynamic stability) performed at Invitae indicates that this missense variant is not expected to disrupt KMT2A protein function with a negative predictive value of 95%. In summary, the available evidence is currently insufficient to determine the role of this variant in disease. Therefore, it has been classified as a Variant of Uncertain Significance.

NM_001197104.2(KMT2A):c.6906G>C (p.Lys2302Asn)

Gene: KMT2A (lysine methyltransferase 2A; plus strand). Cytogenetic location: 11q23.3.
Variant type: single nucleotide variant.
Coding change: c.6906G>C on transcript NM_001197104.2 (MANE Select); coding-DNA position 6906, G replaced by C.
Protein change: p.Lys2302Asn; replaces lysine 2302 with asparagine.
Molecular consequence: missense variant.
Genome position (GRCh38, 1-based): chr11:118,502,798, G>C. VCF-style: chr11-118502798-G-C. GRCh37 (hg19) VCF-style: chr11-118373513-G-C.
Other names: c.6996G>C, p.Lys2332Asn (NM_001412597.1); c.6897G>C, p.Lys2299Asn (NM_005933.4); short protein forms K2332N, K2299N, K2302N.
Identifiers: ClinVar variation 2897357 (VCV002897357.4), dbSNP rs782151492, ClinGen allele CA6304325.